The following is an entry in ClinVar:

ClinVar aggregate classification (germline): Uncertain significance (1 of 4 stars; one submission).

Conditions:
SLC35A2-congenital disorder of glycosylation. Also called: CONGENITAL DISORDER OF GLYCOSYLATION, TYPE IIm; CDG IIm; CONGENITAL DISORDER OF GLYCOSYLATION, TYPE IIm, SOMATIC MOSAIC; DEVELOPMENTAL AND EPILEPTIC ENCEPHALOPATHY 22; EPILEPTIC ENCEPHALOPATHY, EARLY INFANTILE, 22; SLC35A2-CDG. Identifiers: Orphanet 356961, MedGen C3806688, MONDO:0010478, OMIM 300896.

Submission:

Labcorp Genetics (formerly Invitae), Labcorp
Classification: Uncertain significance for SLC35A2-congenital disorder of glycosylation. Last evaluated: 2017-11-08. Review status: criteria provided, single submitter. Criteria: Invitae Variant Classification Sherloc (09022015). Collection method: clinical testing. Allele origin: germline.
Comment: A gross duplication of the genomic region encompassing the full coding sequence of the SLC35A2 gene has been identified. The boundaries of this event are unknown as the duplication extends beyond the assayed region for this gene and therefore may encompass additional genes. As the precise location of this duplication is unknown, it may be in tandem or it may be located elsewhere in the genome. This variant has not been reported in the literature in individuals with SLC35A2-related disease. Experimental studies and prediction algorithms are not available for this variant, and the functional significance of the duplication is currently unknown. In summary, the available evidence is currently insufficient to determine the role of this variant in disease. Therefore, it has been classified as a Variant of Uncertain Significance.

NC_000023.10:g.(?_48542223)_(48768933_?)dup

Genes: ERAS (ES cell expressed Ras; plus strand), GATA1 (GATA binding protein 1; plus strand), GLOD5 (glyoxalase domain containing 5; plus strand), HDAC6 (histone deacetylase 6; plus strand), PCSK1N (proprotein convertase subtilisin/kexin type 1 inhibitor; minus strand) and 5 more. Cytogenetic location: Xp11.23.
Variant type: Duplication.
Identifiers: ClinVar variation 541110 (VCV000541110.1).